The following is an entry in ClinVar:

ClinVar aggregate classification (germline): Uncertain significance. Review status: criteria provided, multiple submitters, no conflicts (2 of 4 stars). 3 submissions from 3 submitters: Uncertain significance (2). 1 of the submissions does not count toward it. Last evaluated 2024-04-25.

Conditions:
SPATA7-related disorder. Also called: SPATA7-related disorders; SPATA7-related condition. Identifiers: MedGen CN239422.
Leber congenital amaurosis 3 (LCA3). Also called: SPATA7-Related Retinitis Pigmentosa. Identifiers: MedGen C1858677, MONDO:0011415, OMIM 604232.

Allele frequency attached by ClinVar (database versions not stated): gnomAD exomes 0.00001 and 0.00004; ExAC 0.00002; TOPMed 0.00002; gnomAD 0.00003.
gnomAD v4.1: 23 of 1,585,800 alleles (0.0015%); highest among the groups gnomAD compares: Admixed American, 0.0069%; no homozygotes.

Submissions (3):

Blueprint Genetics
Classification: Uncertain significance. Last evaluated: 2024-04-25. Review status: criteria provided, single submitter. Criteria: ACMG Guidelines, 2015. Collection method: clinical testing. Allele origin: germline.

Labcorp Genetics (formerly Invitae), Labcorp
Classification: Uncertain significance for Leber congenital amaurosis 3. Last evaluated: 2022-10-17. Review status: criteria provided, single submitter. Criteria: Invitae Variant Classification Sherloc (09022015). Collection method: clinical testing. Allele origin: germline.
Comment: This sequence change falls in intron 3 of the SPATA7 gene. It does not directly change the encoded amino acid sequence of the SPATA7 protein. It affects a nucleotide within the consensus splice site. This variant is present in population databases (rs756285093, gnomAD 0.009%). This variant has not been reported in the literature in individuals affected with SPATA7-related conditions. ClinVar contains an entry for this variant (Variation ID: 1479510). Variants that disrupt the consensus splice site are a relatively common cause of aberrant splicing (PMID: 17576681, 9536098). Algorithms developed to predict the effect of sequence changes on RNA splicing suggest that this variant may disrupt the consensus splice site. In summary, the available evidence is currently insufficient to determine the role of this variant in disease. Therefore, it has been classified as a Variant of Uncertain Significance.

PreventionGenetics, part of Exact Sciences
Classification: Likely benign for SPATA7-related condition. Last evaluated: 2019-06-13. Review status: no assertion criteria provided. Collection method: clinical testing. Allele origin: germline. Not counted in ClinVar's aggregate classification.
Comment: This variant is classified as likely benign based on ACMG/AMP sequence variant interpretation guidelines (Richards et al. 2015 PMID: 25741868, with internal and published modifications).

Literature cited by the submitters: PubMed 17576681 (cited by Labcorp Genetics (formerly Invitae), Labcorp); PubMed 9536098 (cited by Labcorp Genetics (formerly Invitae), Labcorp).

NM_018418.5(SPATA7):c.190+3A>G

Gene: SPATA7 (spermatogenesis associated 7; plus strand). Cytogenetic location: 14q31.3.
Variant type: single nucleotide variant.
Coding change: c.190+3A>G on transcript NM_018418.5 (MANE Select); 3 bases into the intron after coding-DNA position 190, A replaced by G.
Molecular consequence: intron variant.
Genome position (GRCh38, 1-based): chr14:88,393,491, A>G. VCF-style: chr14-88393491-A-G. GRCh37 (hg19) VCF-style: chr14-88859835-A-G.
Other names: c.190+3A>G (NM_018418.4); c.94+2036A>G (NM_001040428.4).
Identifiers: ClinVar variation 1479510 (VCV001479510.6), dbSNP rs756285093, ClinGen allele CA7298408.